The following is an entry in ClinVar:

ClinVar aggregate classification (germline): Pathogenic (1 of 4 stars; one submission).

Conditions:
Fabry disease. Also called: ALPHA-GALACTOSIDASE A DEFICIENCY; ANDERSON-FABRY DISEASE; CERAMIDE TRIHEXOSIDASE DEFICIENCY; GLA DEFICIENCY; HEREDITARY DYSTOPIC LIPIDOSIS; Angiokeratoma corporis diffusum. Identifiers: Orphanet 324, MedGen C0002986, MONDO:0010526, OMIM 301500, HP:0001071. Disease mechanism: Fabry disease is due to inactivating mutations in the X-linked GLA gene resulting in deficiency of the enzyme Alpha Galactosidase-A., loss of function.

Submission:

Genomenon, Inc
Classification: Pathogenic for Fabry disease. Last evaluated: 2026-09-08. Review status: criteria provided, single submitter. Criteria: Genomenon Sequence Variant Interpretation Standards - Updated. Collection method: curation. Allele origin: germline. Affected: yes.
Comment: GLA p.Tyr365CysfsTer5 (c.1090_1103del) is a frameshift variant that is predicted to introduce a premature termination codon and result in a truncated or absent protein product. This variant has been observed in at least one proband with clinical features consistent with Fabry disease (PMID:34917096;30385651). It is absent or not present at a significant frequency in gnomAD. In conclusion, we classify GLA p.Tyr365CysfsTer5 (c.1090_1103del) as a pathogenic variant.

Literature cited by the submitters: PubMed 34917096; PubMed 30385651.

NM_000169.3(GLA):c.1090_1103del (p.Tyr365fs)

Genes: GLA (galactosidase alpha; minus strand), RPL36A-HNRNPH2 (RPL36A-HNRNPH2 readthrough; plus strand). Cytogenetic location: Xq22.1.
Variant type: Deletion.
Coding change: c.1090_1103del on transcript NM_000169.3 (MANE Select); coding-DNA positions 1090 to 1103, 14 bases deleted (TCTTATACCATCGC).
Protein change: p.Tyr365fs; shifts the reading frame from tyrosine 365.
Molecular consequence: frameshift variant. On other transcripts: non-coding transcript variant (3), intron variant (2).
Genome position (GRCh38, 1-based): chrX:101,397,996-101,398,009, GCGATGGTATAAGA deleted on the plus strand (TCTTATACCATCGC on the coding strand, the reverse complement: GLA is on the minus strand); deleting any 14 consecutive bases within chrX:101,397,996-101,398,013 gives the same sequence; the c. name uses the placement nearest the transcript's 3' end. VCF-style (leftmost placement, unchanged base first): chrX-101397995-TGCGATGGTATAAGA-T. GRCh37 (hg19) VCF-style: chrX-100652983-TGCGATGGTATAAGA-T.
Other names: c.1213_1226del, p.Tyr406fs (NM_001406747.1); c.300+2543_300+2556del (NM_001199973.2); c.177+6178_177+6191del (NM_001199974.2); short protein forms Y365fs, Y406fs.
Identifiers: ClinVar variation 4087061 (VCV004087061.2), dbSNP rs869312225.